The following is an entry in ClinVar:

NM_001184880.2(PCDH19):c.582del (p.Ser195fs)

Gene: PCDH19 (protocadherin 19; minus strand). Cytogenetic location: Xq22.1.
Variant type: Deletion.
Coding change: c.582del on transcript NM_001184880.2 (MANE Select); coding-DNA position 582, one base deleted (G; older notation c.582delG).
Protein change: p.Ser195fs; shifts the reading frame from serine 195.
Molecular consequence: frameshift variant.
Genome position (GRCh38, 1-based): chrX:100,408,016, C deleted on the plus strand (G on the coding strand, the reverse complement: PCDH19 is on the minus strand). VCF-style (leftmost placement, unchanged base first): chrX-100408015-TC-T. GRCh37 (hg19) VCF-style: chrX-99663013-TC-T.
Other names: c.582del, p.Ser195fs (NM_001105243.2, NM_020766.3); short protein forms S195fs.
Identifiers: ClinVar variation 1749947 (VCV001749947.2), dbSNP rs2520992622, ClinGen allele CA2580100072.

ClinVar aggregate classification (germline): Pathogenic (1 of 4 stars; one submission).

Conditions:
Inborn genetic diseases. Identifiers: MedGen C0950123, MeSH D030342.

Submission:

Ambry Genetics
Classification: Pathogenic for Inborn genetic diseases. Last evaluated: 2019-07-15. Review status: criteria provided, single submitter. Criteria: Ambry Variant Classification Scheme 2023. Collection method: clinical testing. Allele origin: germline.
Comment: The c.582delG pathogenic mutation, located in coding exon 1 of the PCDH19 gene, results from a deletion of one nucleotide at nucleotide position 582, causing a translational frameshift with a predicted alternate stop codon (p.S195Afs*17). This alteration is expected to result in loss of function by premature protein truncation or nonsense-mediated mRNA decay. As such, this alteration is interpreted as a disease-causing mutation.